The following is an entry in ClinVar:

NM_001042492.3(NF1):c.4263G>A (p.Pro1421=)

Gene: NF1 (neurofibromin 1; plus strand). Cytogenetic location: 17q11.2.
Variant type: single nucleotide variant.
Coding change: c.4263G>A on transcript NM_001042492.3 (MANE Select); coding-DNA position 4263, G replaced by A.
Protein change: p.Pro1421=; no amino-acid change (proline 1421 retained).
Molecular consequence: synonymous variant.
Genome position (GRCh38, 1-based): chr17:31,258,433, G>A. VCF-style: chr17-31258433-G-A. GRCh37 (hg19) VCF-style: chr17-29585451-G-A.
Other names: c.4200G>A, p.Pro1400= (NM_000267.4).
Identifiers: ClinVar variation 185237 (VCV000185237.20), dbSNP rs201648604, ClinGen allele CA191405.

ClinVar aggregate classification (germline): Benign/Likely benign. Review status: criteria provided, multiple submitters, no conflicts (2 of 4 stars). 9 submissions from 9 submitters: Benign (1); Likely benign (7). 1 of the submissions does not count toward it. Last evaluated 2026-05-19.

Conditions:
NF1-related disorder. Also called: NF1-related condition. Identifiers: MedGen CN379171.
Hereditary cancer-predisposing syndrome. Also called: Tumor predisposition; Neoplastic Syndromes, Hereditary; Hereditary Cancer Syndrome; Hereditary neoplastic syndrome. Identifiers: Orphanet 140162, MedGen C0027672, MeSH D009386, MONDO:0015356.
Neurofibromatosis, type 1 (NF1). Also called: Peripheral type neurofibromatosis; Neurofibromatosis, type I; NEUROFIBROMATOSIS, TYPE I, SOMATIC; VON RECKLINGHAUSEN DISEASE. Identifiers: Orphanet 636, MedGen C0027831, MONDO:0018975, OMIM 162200. Disease mechanism: loss of function.
Café-au-lait macules with pulmonary stenosis (WTSN). Also called: PULMONIC STENOSIS WITH CAFE-AU-LAIT SPOTS. Identifiers: MedGen C0553586, MONDO:0008672, OMIM 193520.
Neurofibromatosis-Noonan syndrome (NFNS). Also called: NEUROFIBROMATOSIS WITH NOONAN PHENOTYPE. Identifiers: Orphanet 638, MedGen C2931482, MONDO:0011035, OMIM 601321. Disease mechanism: loss of function.
Neurofibromatosis, familial spinal (FSNF). Identifiers: Orphanet 636, MedGen C1834235, MONDO:0008078, OMIM 162210. Disease mechanism: loss of function.
Juvenile myelomonocytic leukemia (JMML). Also called: LEUKEMIA, JUVENILE MYELOMONOCYTIC, SOMATIC. Identifiers: Orphanet 86834, MedGen C0349639, MONDO:0011908, OMIM 607785, HP:0012209.

Allele frequency attached by ClinVar (database versions not stated): TOPMed 0.00003; gnomAD 0.00005; 1000 Genomes Project 30x 0.00031; ExAC 0.00002; gnomAD exomes 0.00002 and 0.00005; 1000 Genomes Project 0.00020.
gnomAD v4.1: 41 of 1,613,878 alleles (0.0025%); highest among the groups gnomAD compares: East Asian, 0.016%; no homozygotes.

Submissions (9):

Myriad Genetics, Inc.
Classification: Benign for Neurofibromatosis, type 1. Last evaluated: 2026-05-19. Review status: criteria provided, single submitter. Criteria: Myriad Autosomal Dominant, Autosomal Recessive and X-Linked Classification Criteria (2023). Collection method: clinical testing. Allele origin: unknown.
Comment: This variant is considered benign. This variant is a silent/synonymous amino acid change and it is not expected to impact splicing.

CeGaT Center for Human Genetics Tuebingen
Classification: Likely benign. Last evaluated: 2026-05-01. Review status: criteria provided, single submitter. Criteria: CeGaT Center For Human Genetics Tuebingen Variant Classification Criteria Version 2. Collection method: clinical testing. Allele origin: germline. Affected: yes. Observed: 1 variant allele.
Comment: NF1: BP4, BP7

Labcorp Genetics (formerly Invitae), Labcorp
Classification: Likely benign for Neurofibromatosis, type 1. Last evaluated: 2026-01-05. Review status: criteria provided, single submitter. Criteria: Invitae Variant Classification Sherloc (09022015). Collection method: clinical testing. Allele origin: germline.

Genome-Nilou Lab
Classification: Likely benign for Neurofibromatosis, type 1. Last evaluated: 2022-03-15. Review status: criteria provided, single submitter. Criteria: ACMG Guidelines, 2015. Collection method: clinical testing. Allele origin: germline. Affected: no.

Fulgent Genetics
Classification: Likely benign for Neurofibromatosis, type 1; Neurofibromatosis, familial spinal; Café-au-lait macules with pulmonary stenosis; Neurofibromatosis-Noonan syndrome; Juvenile myelomonocytic leukemia. Last evaluated: 2021-12-16. Review status: criteria provided, single submitter. Criteria: ACMG Guidelines, 2015. Collection method: clinical testing. Allele origin: unknown.

Sema4
Classification: Likely benign for Hereditary cancer-predisposing syndrome. Last evaluated: 2021-09-13. Review status: criteria provided, single submitter. Criteria: Sema4 Curation Guidelines. Collection method: curation. Allele origin: germline.

GeneDx
Classification: Likely benign. Last evaluated: 2021-04-30. Review status: criteria provided, single submitter. Criteria: GeneDx Variant Classification Process June 2021. Collection method: clinical testing. Allele origin: germline. Affected: yes.
Comment: This variant is associated with the following publications: (PMID: 22034633)

Ambry Genetics
Classification: Likely benign for Hereditary cancer-predisposing syndrome. Last evaluated: 2014-09-26. Review status: criteria provided, single submitter. Criteria: Ambry Autosomal Dominant and X-Linked criteria (10/2015). Collection method: clinical testing. Allele origin: germline. Observed: 1 variant allele.

PreventionGenetics, part of Exact Sciences
Classification: Likely benign for NF1-related condition. Last evaluated: 2019-10-16. Review status: no assertion criteria provided. Collection method: clinical testing. Allele origin: germline. Not counted in ClinVar's aggregate classification.
Comment: This variant is classified as likely benign based on ACMG/AMP sequence variant interpretation guidelines (Richards et al. 2015 PMID: 25741868, with internal and published modifications).

Literature cited by the submitters: PubMed 22034633 (cited by Sema4); PubMed 30287823 (cited by Sema4); PubMed 32980694 (cited by Sema4).